The following is an entry in ClinVar:

ClinVar aggregate classification (germline): Conflicting classifications of pathogenicity. Review status: criteria provided, conflicting classifications (1 of 4 stars). 5 submissions from 5 submitters: Pathogenic (1); Likely pathogenic (3); Uncertain significance (1). Last evaluated 2026-07-01.

Conditions:
Glycogen storage disease, type II (IOPD). Also called: POMPE DISEASE, INFANTILE-ONSET; GLYCOGEN STORAGE DISEASE II, INFANTILE-ONSET; ACID ALPHA-GLUCOSIDASE DEFICIENCY, INFANTILE-ONSET; GAA DEFICIENCY, INFANTILE-ONSET; ACID MALTASE DEFICIENCY, INFANTILE-ONSET; Glucosidase acid-1,4-alpha deficiency. Identifiers: Orphanet 365, MedGen C0017921, MONDO:0009290, OMIM 232300.

Submissions (5):

Genomenon, Inc
Classification: Uncertain significance for Glycogen storage disease, type II. Last evaluated: 2026-07-01. Review status: criteria provided, single submitter. Criteria: Genomenon Sequence Variant Interpretation Standards - Updated. Collection method: curation. Allele origin: germline.
Comment: GAA p.Asp282His (c.844G>C) is a missense variant that changes the amino acid at codon 282 from Aspartic acid to Histidine. This variant has been reported in the compound heterozygous and/or homozygous state in at least one individual without a confirmed diagnosis of Pompe disease (PMID:34530085;33301762). The variant is located in a mutational hotspot and/or important functional domain. It is absent or not present at a significant frequency in gnomAD. In silico models predict that this variant is possibly or probably damaging. In conclusion, we classify GAA p.Asp282His (c.844G>C) as a variant of uncertain significance.

Fulgent Genetics
Classification: Likely pathogenic for Glycogen storage disease, type II. Last evaluated: 2024-02-24. Review status: criteria provided, single submitter. Criteria: ACMG Guidelines, 2015. Collection method: clinical testing. Allele origin: germline.

Baylor Genetics
Classification: Likely pathogenic for Glycogen storage disease, type II. Last evaluated: 2023-12-30. Review status: criteria provided, single submitter. Criteria: ACMG Guidelines, 2015. Collection method: clinical testing. Allele origin: unknown.

Foundation for Research in Genetics and Endocrinology, FRIGE's Institute of Human Genetics
Classification: Likely pathogenic for Glycogen storage disease, type II. Last evaluated: 2023-01-13. Review status: criteria provided, single submitter. Criteria: ACMG Guidelines, 2015. Collection method: clinical testing. Allele origin: germline. Inheritance: Autosomal recessive inheritance. Affected: yes. Observed: 1 homozygote.
Comment: A Homozygous missense variation in exon 4 of the GAA gene that results in the amino acid substitution of Histidine for Aspartic acid at codon 282 was detected. The observed variant c.844G>C (p.Asp282His) has not been reported in the 1000 genomes and gnomAD databases. The in silico prediction of the variant are possibly damaging by MutPred, SIFT, PROVEAN and MutationTaster2. In summary, the variant meets our criteria to be classified as likely pathogenic.

Neuberg Centre For Genomic Medicine, NCGM
Classification: Pathogenic for Glycogen storage disease, type II. Review status: criteria provided, single submitter. Criteria: ACMG Guidelines, 2015. Collection method: clinical testing. Allele origin: germline. Inheritance: Autosomal recessive inheritance. Affected: yes.
Comment: The missense c.844G>C p.Asp282His variant in the GAA gene has not been reported previously in affected indvidual s as a pathogenic variant nor as a benign variant, to our knowledge. The variant is novel not in any individuals in gnomAD Exomes and 1000 Genomes. This variant has been reported to the ClinVar database as Likely Pathogenic. However, no details are available for independent assessment. The amino acid Aspartic acid at position 282 is changed to a Histidine changing protein sequence and it might alter its composition and physico-chemical properties. The variant is predicted as damaging by SIFT. The amino acid change p.Asp282His in GAA is predicted as conserved by GERP++ and PhyloP across 100 vertebrates. Further studies are required to prove the pathogenicity of the variant. For these reasons, this variant has been classified as Pathogenic.

Literature cited by the submitters: PubMed 34530085 (cited by Genomenon, Inc); PubMed 33301762 (cited by Genomenon, Inc).

NM_000152.5(GAA):c.844G>C (p.Asp282His)

Gene: GAA (alpha glucosidase; plus strand). Cytogenetic location: 17q25.3.
Variant type: single nucleotide variant.
Coding change: c.844G>C on transcript NM_000152.5 (MANE Select); coding-DNA position 844, G replaced by C.
Protein change: p.Asp282His; replaces aspartic acid 282 with histidine.
Molecular consequence: missense variant.
Genome position (GRCh38, 1-based): chr17:80,107,708, G>C. VCF-style: chr17-80107708-G-C. GRCh37 (hg19) VCF-style: chr17-78081507-G-C.
Other names: p.Asp282His; c.844G>C, p.Asp282His (NM_001079803.3, NM_001079804.3, NM_001406741.1 and 1 more transcripts); short protein forms D282H.
Identifiers: ClinVar variation 1895435 (VCV001895435.6), dbSNP rs1264889089, ClinGen allele CA401363671.